The following is an entry in ClinVar:

ClinVar aggregate classification (germline): Pathogenic (1 of 4 stars; one submission).

Allele frequency attached by ClinVar (database versions not stated): ExAC 0.00001; gnomAD exomes below 0.00001.
gnomAD v4.1: 8 of 1,614,064 alleles (0.0005%); highest among the groups gnomAD compares: Middle Eastern, 0.016%; no homozygotes.

Submission:

Labcorp Genetics (formerly Invitae), Labcorp
Classification: Pathogenic. Last evaluated: 2025-04-13. Review status: criteria provided, single submitter. Criteria: Invitae Variant Classification Sherloc (09022015). Collection method: clinical testing. Allele origin: germline.
Comment: This sequence change creates a premature translational stop signal (p.Arg1246*) in the CEP152 gene. It is expected to result in an absent or disrupted protein product. Loss-of-function variants in CEP152 are known to be pathogenic (PMID: 21131973). This variant is present in population databases (rs768917744, gnomAD 0.0009%). This variant has not been reported in the literature in individuals affected with CEP152-related conditions. ClinVar contains an entry for this variant (Variation ID: 2966276). For these reasons, this variant has been classified as Pathogenic.

Literature cited by the submitters: PubMed 21131973.

NM_001194998.2(CEP152):c.3904C>T (p.Arg1302Ter)

Gene: CEP152 (centrosomal protein 152; minus strand). Cytogenetic location: 15q21.1.
Variant type: single nucleotide variant.
Coding change: c.3904C>T on transcript NM_001194998.2 (MANE Select); coding-DNA position 3904, C replaced by T.
Protein change: p.Arg1302Ter; replaces arginine 1302 with a stop codon.
Molecular consequence: nonsense.
Genome position (GRCh38, 1-based): chr15:48,742,032, G>A on the plus strand (C>T on the coding strand, the complement: CEP152 is on the minus strand). VCF-style: chr15-48742032-G-A. GRCh37 (hg19) VCF-style: chr15-49034229-G-A.
Other names: c.3736C>T, p.Arg1246Ter (NM_014985.4); short protein forms R1302*, R1246*.
Identifiers: ClinVar variation 2966276 (VCV002966276.3), dbSNP rs768917744, ClinGen allele CA7548236.